The following is an entry in ClinVar:

ClinVar aggregate classification (germline): Uncertain significance (1 of 4 stars; one submission).

Conditions:
Epidermolysis bullosa simplex with nail dystrophy (EBS5D). Identifiers: MedGen C4225309, MONDO:0014661, OMIM 616487.
Epidermolysis bullosa simplex 5C, with pyloric atresia (EBS5C). Also called: PLEC-Related Epidermolysis Bullosa with Pyloric Atresia; Epidermolysis bullosa simplex with pyloric atresia; PLEC1-Related Epidermolysis Bullosa with Pyloric Atresia. Identifiers: Orphanet 158684, MedGen C2677349, MONDO:0012807, OMIM 612138.
Epidermolysis bullosa simplex 5B, with muscular dystrophy (EBS5B). Also called: Epidermolysis bullosa simplex with muscular dystrophy; EPIDERMOLYSIS BULLOSA SIMPLEX AND LIMB-GIRDLE MUSCULAR DYSTROPHY. Identifiers: Orphanet 257, MedGen C2931072, MONDO:0009181, OMIM 226670.
Epidermolysis bullosa simplex, Ogna type (EBS5A). Also called: Pidermolysis bullosa simplex 5A, Ogna type; EPIDERMOLYSIS BULLOSA SIMPLEX 5A, OGNA TYPE. Identifiers: Orphanet 79401, MedGen C0432317, MONDO:0007555, OMIM 131950.
Autosomal recessive limb-girdle muscular dystrophy type 2Q (LGMDR17). Also called: MUSCULAR DYSTROPHY, LIMB-GIRDLE, AUTOSOMAL RECESSIVE 17. Identifiers: Orphanet 254361, MedGen C3150989, MONDO:0013390, OMIM 613723.

gnomAD v4.1: 14 of 1,609,880 alleles (0.00087%); highest among the groups gnomAD compares: Middle Eastern, 0.016%; no homozygotes.

Submission:

Labcorp Genetics (formerly Invitae), Labcorp
Classification: Uncertain significance for Autosomal recessive limb-girdle muscular dystrophy type 2Q; Epidermolysis bullosa simplex, Ogna type; Epidermolysis bullosa simplex with nail dystrophy; Epidermolysis bullosa simplex 5C, with pyloric atresia; Epidermolysis bullosa simplex 5B, with muscular dystrophy. Last evaluated: 2025-12-30. Review status: criteria provided, single submitter. Criteria: Invitae Variant Classification Sherloc (09022015). Collection method: clinical testing. Allele origin: germline.
Comment: This sequence change replaces leucine, which is neutral and non-polar, with valine, which is neutral and non-polar, at codon 2231 of the PLEC protein (p.Leu2231Val). This variant is not present in population databases (gnomAD no frequency). This variant has not been reported in the literature in individuals affected with PLEC-related conditions. ClinVar contains an entry for this variant (Variation ID: 1057243). An algorithm developed to predict the effect of missense changes on protein structure and function (PolyPhen-2) suggests that this variant is likely to be tolerated. In summary, the available evidence is currently insufficient to determine the role of this variant in disease. Therefore, it has been classified as a Variant of Uncertain Significance.

NM_201384.3(PLEC):c.6610C>G (p.Leu2204Val)

Gene: PLEC (plectin; minus strand). Cytogenetic location: 8q24.3.
Variant type: single nucleotide variant.
Coding change: c.6610C>G on transcript NM_201384.3 (MANE Select); coding-DNA position 6610, C replaced by G.
Protein change: p.Leu2204Val; replaces leucine 2204 with valine.
Molecular consequence: missense variant.
Genome position (GRCh38, 1-based): chr8:143,923,319, G>C on the plus strand (C>G on the coding strand, the complement: PLEC is on the minus strand). VCF-style: chr8-143923319-G-C. GRCh37 (hg19) VCF-style: chr8-144997487-G-C.
Other names: c.6691C>G, p.Leu2231Val (NM_000445.5); c.6568C>G, p.Leu2190Val (NM_201378.4); c.6544C>G, p.Leu2182Val (NM_201379.3); c.7021C>G, p.Leu2341Val (NM_201380.4); c.6514C>G, p.Leu2172Val (NM_201381.3); c.6610C>G, p.Leu2204Val (NM_201382.4); c.6622C>G, p.Leu2208Val (NM_201383.3); short protein forms L2172V, L2182V, L2190V, L2204V, L2208V, L2231V, L2341V.
Identifiers: ClinVar variation 1057243 (VCV001057243.5), dbSNP rs374204128, ClinGen allele CA372533194.
Genomic context (GRCh38, chr8:143,923,319, plus strand): 5'-TGCGCTGGCGTGCGGCCTCCGTGGCCTCCGCCTTCAGCCGCTGCAGCTCCTCGTCCAGCA[G>C]GTTCTTCTGGTGGTCGGTCTCCTCCAGCTGCAGCCGCAGTGTTGTCAGCTCCTGCTCCAC-3'
Protein context (NP_958786.1, residues 2194-2214): QLEETDHQKN[Leu2204Val]LDEELQRLKA